The following is an entry in ClinVar:

ClinVar aggregate classification (germline): Likely benign (1 of 4 stars; one submission).

gnomAD v4.1: 9 of 1,566,952 alleles (0.00057%); highest among the groups gnomAD compares: Middle Eastern, 0.017%; no homozygotes.

Submission:

CeGaT Center for Human Genetics Tuebingen
Classification: Likely benign. Last evaluated: 2026-09-01. Review status: criteria provided, single submitter. Criteria: CeGaT Center For Human Genetics Tuebingen Variant Classification Criteria Version 2. Collection method: clinical testing. Allele origin: germline. Affected: yes. Observed: 1 variant allele.
Comment: TAF4: BP4, BP7

NM_003185.4(TAF4):c.2016G>A (p.Ala672=)

Gene: TAF4 (TATA-box binding protein associated factor 4; minus strand). Cytogenetic location: 20q13.33.
Variant type: single nucleotide variant.
Coding change: c.2016G>A on transcript NM_003185.4 (MANE Select); coding-DNA position 2016, G replaced by A.
Protein change: p.Ala672=; no amino-acid change (alanine 672 retained).
Molecular consequence: synonymous variant.
Genome position (GRCh38, 1-based): chr20:62,006,717, C>T on the plus strand (G>A on the coding strand, the complement: TAF4 is on the minus strand). VCF-style: chr20-62006717-C-T. GRCh37 (hg19) VCF-style: chr20-60581773-C-T.
Identifiers: ClinVar variation 5041182 (VCV005041182.1).